The following is an entry in ClinVar:

ClinVar aggregate classification (germline): Benign/Likely benign. Review status: criteria provided, multiple submitters, no conflicts (2 of 4 stars). 3 submissions from 3 submitters: Benign (1); Likely benign (2). Last evaluated 2026-03-01.

Conditions:
Hereditary spastic paraplegia 39 (SPG39). Also called: Spastic Paraplegia Type 39 (SPG39); SPASTIC PARAPLEGIA 39, AUTOSOMAL RECESSIVE. Identifiers: Orphanet 139480, MedGen C2677586, MONDO:0012787, OMIM 612020.

Allele frequency attached by ClinVar (database versions not stated): gnomAD 0.00006 and 0.00007; gnomAD exomes 0.00007 and 0.00035; TOPMed 0.00016; ExAC 0.00027.
gnomAD v4.1: 107 of 1,591,136 alleles (0.0067%); highest among the groups gnomAD compares: Admixed American, 0.18%; no homozygotes.

Submissions (3):

CeGaT Center for Human Genetics Tuebingen
Classification: Likely benign. Last evaluated: 2026-03-01. Review status: criteria provided, single submitter. Criteria: CeGaT Center For Human Genetics Tuebingen Variant Classification Criteria Version 2. Collection method: clinical testing. Allele origin: germline. Affected: yes. Observed: 1 variant allele.
Comment: PNPLA6: BP4, BP7

Labcorp Genetics (formerly Invitae), Labcorp
Classification: Benign for Hereditary spastic paraplegia 39. Last evaluated: 2026-01-06. Review status: criteria provided, single submitter. Criteria: Invitae Variant Classification Sherloc (09022015). Collection method: clinical testing. Allele origin: germline.

Blueprint Genetics
Classification: Likely benign. Last evaluated: 2024-09-21. Review status: criteria provided, single submitter. Criteria: ACMG Guidelines, 2015. Collection method: clinical testing. Allele origin: germline.

NM_001166114.2(PNPLA6):c.2712C>T (p.Gly904=)

Gene: PNPLA6 (patatin like domain 6, lysophospholipase; plus strand). Cytogenetic location: 19p13.2.
Variant type: single nucleotide variant.
Coding change: c.2712C>T on transcript NM_001166114.2 (MANE Select); coding-DNA position 2712, C replaced by T.
Protein change: p.Gly904=; no amino-acid change (glycine 904 retained).
Molecular consequence: synonymous variant.
Genome position (GRCh38, 1-based): chr19:7,554,970, C>T. VCF-style: chr19-7554970-C-T. GRCh37 (hg19) VCF-style: chr19-7619856-C-T.
Other names: c.2742C>T, p.Gly914= (NM_001166111.2); c.2517C>T, p.Gly839= (NM_001166112.2); c.2598C>T, p.Gly866= (NM_001166113.1, NM_006702.5).
Identifiers: ClinVar variation 703114 (VCV000703114.17), dbSNP rs748031664, ClinGen allele CA9140208.